The following is an entry in ClinVar:

ClinVar aggregate classification (germline): Uncertain significance (1 of 4 stars; one submission).

Allele frequency attached by ClinVar (database versions not stated): gnomAD 0.00001; gnomAD exomes 0.00001; TOPMed 0.00001.
gnomAD v4.1: 10 of 1,613,308 alleles (0.00062%); highest among the groups gnomAD compares: South Asian, 0.0011%; no homozygotes.

Submission:

Labcorp Genetics (formerly Invitae), Labcorp
Classification: Uncertain significance. Last evaluated: 2023-06-19. Review status: criteria provided, single submitter. Criteria: Invitae Variant Classification Sherloc (09022015). Collection method: clinical testing. Allele origin: germline.
Comment: This variant has not been reported in the literature in individuals affected with IL12RB2-related conditions. This variant is not present in population databases (gnomAD no frequency). This sequence change replaces alanine, which is neutral and non-polar, with valine, which is neutral and non-polar, at codon 628 of the IL12RB2 protein (p.Ala628Val). Algorithms developed to predict the effect of missense changes on protein structure and function output the following: SIFT: "Not Available"; PolyPhen-2: "Benign"; Align-GVGD: "Not Available". The valine amino acid residue is found in multiple mammalian species, which suggests that this missense change does not adversely affect protein function. In summary, the available evidence is currently insufficient to determine the role of this variant in disease. Therefore, it has been classified as a Variant of Uncertain Significance.

NM_001374259.2(IL12RB2):c.1883C>T (p.Ala628Val)

Gene: IL12RB2 (interleukin 12 receptor subunit beta 2; plus strand). Cytogenetic location: 1p31.3.
Variant type: single nucleotide variant.
Coding change: c.1883C>T on transcript NM_001374259.2 (MANE Select); coding-DNA position 1883, C replaced by T.
Protein change: p.Ala628Val; replaces alanine 628 with valine.
Molecular consequence: missense variant. On other transcripts: non-coding transcript variant (1), intron variant (1).
Genome position (GRCh38, 1-based): chr1:67,386,606, C>T. VCF-style: chr1-67386606-C-T. GRCh37 (hg19) VCF-style: chr1-67852289-C-T.
Other names: c.1883C>T, p.Ala628Val (NM_001258214.1, NM_001319233.1, NM_001559.3); c.1625C>T, p.Ala542Val (NM_001258215.1); c.1855+6483C>T (NM_001258216.1); short protein forms A628V, A542V.
Identifiers: ClinVar variation 2723326 (VCV002723326.3), dbSNP rs1466635734, ClinGen allele CA340733082.
Genomic context (GRCh38, chr1:67,386,606, plus strand): 5'-CTCACTCAGTCACAGGATTTCCTAACTTTTCAGGTAAAGCCAATTGGATGGCGTTTGTGG[C>T]ACCAAGCATTTGCATTGCTATCATCATGGTGGGCATTTTCTCAACGCATTACTTCCAGCA-3'
Protein context (NP_001361188.1, residues 618-638): QGKANWMAFV[Ala628Val]PSICIAIIMV